The following is an entry in ClinVar:

NM_001040108.2(MLH3):c.1242A>C (p.Lys414Asn)

Gene: MLH3 (mutL homolog 3; minus strand). Cytogenetic location: 14q24.3.
Variant type: single nucleotide variant.
Coding change: c.1242A>C on transcript NM_001040108.2 (MANE Select); coding-DNA position 1242, A replaced by C.
Protein change: p.Lys414Asn; replaces lysine 414 with asparagine.
Molecular consequence: missense variant.
Genome position (GRCh38, 1-based): chr14:75,048,414, T>G on the plus strand (A>C on the coding strand, the complement: MLH3 is on the minus strand). VCF-style: chr14-75048414-T-G. GRCh37 (hg19) VCF-style: chr14-75515117-T-G.
Other names: c.1242A>C, p.Lys414Asn (NM_014381.3); short protein forms K414N.
Identifiers: ClinVar variation 1758530 (VCV001758530.2), dbSNP rs2139587742, ClinGen allele CA390446863.

ClinVar aggregate classification (germline): Uncertain significance (1 of 4 stars; one submission).

Submission:

Ambry Genetics
Classification: Uncertain significance. Last evaluated: 2021-12-11. Review status: criteria provided, single submitter. Criteria: Ambry Variant Classification Scheme 2023. Collection method: clinical testing. Allele origin: germline.
Comment: The p.K414N variant (also known as c.1242A>C), located in coding exon 1 of the MLH3 gene, results from an A to C substitution at nucleotide position 1242. The lysine at codon 414 is replaced by asparagine, an amino acid with similar properties. This amino acid position is conserved. In addition, this alteration is predicted to be tolerated by in silico analysis. Since supporting evidence is limited at this time, the clinical significance of this alteration remains unclear.